The following is an entry in ClinVar:

ClinVar aggregate classification (germline): Uncertain significance (1 of 4 stars; one submission).

Conditions:
Stromme syndrome (STROMS). Also called: Ciliary dyskinesia, primary, 31; Strømme Syndrome; APPLE PEEL SYNDROME WITH MICROCEPHALY AND OCULAR ANOMALIES. Identifiers: Orphanet 444069, Orphanet 506307, MedGen C1855705, MONDO:0009477, OMIM 243605.

gnomAD v4.1: 6 of 1,614,018 alleles (0.00037%); highest among the groups gnomAD compares: East Asian, 0.0067%; no homozygotes.

Submission:

Neuberg Centre For Genomic Medicine, NCGM
Classification: Uncertain significance for Stromme syndrome. Review status: criteria provided, single submitter. Criteria: ACMG Guidelines, 2015. Collection method: clinical testing. Allele origin: germline. Inheritance: Autosomal recessive inheritance. Affected: yes.
Comment: The observed missense variant c.6802C>A(p.Leu2268Ile) in CENPF gene has not been reported previously as a pathogenic variant nor as a benign variant, to our knowledge. The c.6802C>A variant has 0.001% allele frequency in gnomAD Exomes. The amino acid Leucine at position 2268 is changed to a Isoleucine changing protein sequence and it might alter its composition and physico-chemical properties. The variant is predicted to be damaging by SIFT. The amino acid change p.Leu2268Ile in CENPF is predicted as conserved by GERP++. For these reasons, this variant has been classified as Uncertain Significance.

NM_016343.4(CENPF):c.6802C>A (p.Leu2268Ile)

Gene: CENPF (centromere protein F; plus strand). Cytogenetic location: 1q41.
Variant type: single nucleotide variant.
Coding change: c.6802C>A on transcript NM_016343.4 (MANE Select); coding-DNA position 6802, C replaced by A.
Protein change: p.Leu2268Ile; replaces leucine 2268 with isoleucine.
Molecular consequence: missense variant.
Genome position (GRCh38, 1-based): chr1:214,646,372, C>A. VCF-style: chr1-214646372-C-A. GRCh37 (hg19) VCF-style: chr1-214819715-C-A.
Other names: short protein forms L2268I.
Identifiers: ClinVar variation 3250413 (VCV003250413.1), dbSNP rs764134401.